The following is an entry in ClinVar:

NM_001349253.2(SCN11A):c.5215A>G (p.Ile1739Val)

Gene: SCN11A (sodium voltage-gated channel alpha subunit 11; minus strand). Cytogenetic location: 3p22.2.
Variant type: single nucleotide variant.
Coding change: c.5215A>G on transcript NM_001349253.2 (MANE Select); coding-DNA position 5215, A replaced by G.
Protein change: p.Ile1739Val; replaces isoleucine 1739 with valine.
Molecular consequence: missense variant.
Genome position (GRCh38, 1-based): chr3:38,846,855, T>C on the plus strand (A>G on the coding strand, the complement: SCN11A is on the minus strand). VCF-style: chr3-38846855-T-C. GRCh37 (hg19) VCF-style: chr3-38888346-T-C.
Other names: c.5215A>G, p.Ile1739Val (NM_014139.3); short protein forms I1739V.
Identifiers: ClinVar variation 541583 (VCV000541583.10), dbSNP rs759827115, ClinGen allele CA2321374.

ClinVar aggregate classification (germline): Conflicting classifications of pathogenicity. Review status: criteria provided, conflicting classifications (1 of 4 stars). 2 submissions from 2 submitters: Uncertain significance (1); Likely benign (1). Last evaluated 2025-12-20.

Conditions:
Hereditary sensory and autonomic neuropathy type 7. Also called: Neuropathy, hereditary sensory and autonomic, type VII; HSAN VII. Identifiers: Orphanet 391397, MedGen C3809882, MONDO:0014244, OMIM 615548.
Familial episodic pain syndrome with predominantly lower limb involvement. Also called: Episodic pain syndrome, familial, 3. Identifiers: Orphanet 391384, Orphanet 391392, MedGen C3809899, MONDO:0014247, OMIM 615552.
Inborn genetic diseases. Identifiers: MedGen C0950123, MeSH D030342.

Allele frequency attached by ClinVar (database versions not stated): gnomAD 0.00004; gnomAD exomes 0.00005; ExAC 0.00006; TOPMed 0.00004.
gnomAD v4.1: 100 of 1,613,998 alleles (0.0062%); highest among the groups gnomAD compares: Middle Eastern, 0.016%; no homozygotes.

Submissions (2):

Labcorp Genetics (formerly Invitae), Labcorp
Classification: Uncertain significance for Familial episodic pain syndrome with predominantly lower limb involvement; Hereditary sensory and autonomic neuropathy type 7. Last evaluated: 2025-12-20. Review status: criteria provided, single submitter. Criteria: Invitae Variant Classification Sherloc (09022015). Collection method: clinical testing. Allele origin: germline.
Comment: This sequence change replaces isoleucine, which is neutral and non-polar, with valine, which is neutral and non-polar, at codon 1739 of the SCN11A protein (p.Ile1739Val). This variant is present in population databases (rs759827115, gnomAD 0.01%). This variant has not been reported in the literature in individuals affected with SCN11A-related conditions. ClinVar contains an entry for this variant (Variation ID: 541583). Invitae Evidence Modeling of protein sequence and biophysical properties (such as structural, functional, and spatial information, amino acid conservation, physicochemical variation, residue mobility, and thermodynamic stability) indicates that this missense variant is not expected to disrupt SCN11A protein function with a negative predictive value of 80%. In summary, the available evidence is currently insufficient to determine the role of this variant in disease. Therefore, it has been classified as a Variant of Uncertain Significance.

Ambry Genetics
Classification: Likely benign for Inborn genetic diseases. Last evaluated: 2022-03-20. Review status: criteria provided, single submitter. Criteria: Ambry Variant Classification Scheme 2023. Collection method: clinical testing. Allele origin: germline.